The following is an entry in ClinVar:

NM_001376.5(DYNC1H1):c.1754T>C (p.Phe585Ser)

Gene: DYNC1H1 (dynein cytoplasmic 1 heavy chain 1; plus strand). Cytogenetic location: 14q32.31.
Variant type: single nucleotide variant.
Coding change: c.1754T>C on transcript NM_001376.5 (MANE Select); coding-DNA position 1754, T replaced by C.
Protein change: p.Phe585Ser; replaces phenylalanine 585 with serine.
Molecular consequence: missense variant.
Genome position (GRCh38, 1-based): chr14:101,985,979, T>C. VCF-style: chr14-101985979-T-C. GRCh37 (hg19) VCF-style: chr14-102452316-T-C.
Other names: short protein forms F585S.
Identifiers: ClinVar variation 1502098 (VCV001502098.8), dbSNP rs2141274680, ClinGen allele CA391019242.

ClinVar aggregate classification (germline): Uncertain significance (1 of 4 stars; one submission).

Conditions:
Charcot-Marie-Tooth disease axonal type 2O. Also called: Charcot-Marie-Tooth disease, axonal, type 20; CHARCOT-MARIE-TOOTH NEUROPATHY, AXONAL, TYPE 2O; CHARCOT-MARIE-TOOTH DISEASE, AXONAL, AUTOSOMAL DOMINANT, TYPE 2O; Charcot-Marie-Tooth Neuropathy Type 2O. Identifiers: Orphanet 284232, MedGen C3280220, MONDO:0013644, OMIM 614228.

Submission:

Labcorp Genetics (formerly Invitae), Labcorp
Classification: Uncertain significance for Charcot-Marie-Tooth disease axonal type 2O. Last evaluated: 2024-02-16. Review status: criteria provided, single submitter. Criteria: Invitae Variant Classification Sherloc (09022015). Collection method: clinical testing. Allele origin: germline.
Comment: This sequence change replaces phenylalanine, which is neutral and non-polar, with serine, which is neutral and polar, at codon 585 of the DYNC1H1 protein (p.Phe585Ser). This variant is not present in population databases (gnomAD no frequency). This variant has not been reported in the literature in individuals affected with DYNC1H1-related conditions. ClinVar contains an entry for this variant (Variation ID: 1502098). Advanced modeling of protein sequence and biophysical properties (such as structural, functional, and spatial information, amino acid conservation, physicochemical variation, residue mobility, and thermodynamic stability) performed at Invitae indicates that this missense variant is expected to disrupt DYNC1H1 protein function with a positive predictive value of 95%. In summary, the available evidence is currently insufficient to determine the role of this variant in disease. Therefore, it has been classified as a Variant of Uncertain Significance.